The following is an entry in ClinVar:

NM_006031.6(PCNT):c.5801A>C (p.Gln1934Pro)

Gene: PCNT (pericentrin; plus strand). Cytogenetic location: 21q22.3.
Variant type: single nucleotide variant.
Coding change: c.5801A>C on transcript NM_006031.6 (MANE Select); coding-DNA position 5801, A replaced by C.
Protein change: p.Gln1934Pro; replaces glutamine 1934 with proline.
Molecular consequence: missense variant.
Genome position (GRCh38, 1-based): chr21:46,411,874, A>C. VCF-style: chr21-46411874-A-C. GRCh37 (hg19) VCF-style: chr21-47831788-A-C.
Other names: c.5447A>C, p.Gln1816Pro (NM_001315529.2); short protein forms Q1816P, Q1934P.
Identifiers: ClinVar variation 2629304 (VCV002629304.2), dbSNP rs1382452418, ClinGen allele CA410556924.

ClinVar aggregate classification (germline): Uncertain significance (1 of 4 stars; one submission).

Conditions:
PCNT-related disorder. Also called: PCNT-related condition.

Allele frequency attached by ClinVar (database versions not stated): gnomAD exomes below 0.00001; gnomAD 0.00001; TOPMed 0.00001.
gnomAD v4.1: 8 of 1,569,390 alleles (0.00051%); highest among the groups gnomAD compares: Non-Finnish European, 0.00069%; no homozygotes.

Submission:

PreventionGenetics, part of Exact Sciences
Classification: Uncertain significance for PCNT-related condition. Last evaluated: 2024-12-31. Review status: criteria provided, single submitter. Criteria: ACMG Guidelines, 2015. Collection method: clinical testing. Allele origin: germline.
Comment: The PCNT c.5801A>C variant is predicted to result in the amino acid substitution p.Gln1934Pro. To our knowledge, this variant has not been reported in the literature. This variant is reported in 0.0013% of alleles in individuals of European (Non-Finnish) descent in gnomAD. At this time, the clinical significance of this variant is uncertain due to the absence of conclusive functional and genetic evidence.